The following is an entry in ClinVar:

NM_005475.3(SH2B3):c.1350C>G (p.Cys450Trp)

Gene: SH2B3 (SH2B adaptor protein 3; plus strand). Cytogenetic location: 12q24.12.
Variant type: single nucleotide variant.
Coding change: c.1350C>G on transcript NM_005475.3 (MANE Select); coding-DNA position 1350, C replaced by G.
Protein change: p.Cys450Trp; replaces cysteine 450 with tryptophan.
Molecular consequence: missense variant.
Genome position (GRCh38, 1-based): chr12:111,447,769, C>G. VCF-style: chr12-111447769-C-G. GRCh37 (hg19) VCF-style: chr12-111885573-C-G.
Other names: c.744C>G, p.Cys248Trp (NM_001291424.1); short protein forms C450W, C248W.
Identifiers: ClinVar variation 4842816 (VCV004842816.1).

ClinVar aggregate classification (germline): Uncertain significance (1 of 4 stars; one submission).

Conditions:
Inborn genetic diseases. Identifiers: MedGen C0950123, MeSH D030342.

Submission:

Ambry Genetics
Classification: Uncertain significance for Inborn genetic diseases. Last evaluated: 2025-12-21. Review status: criteria provided, single submitter. Criteria: Ambry Variant Classification Scheme 2023. Collection method: clinical testing. Allele origin: germline.
Comment: The p.C450W variant (also known as c.1350C>G), located in coding exon 6 of the SH2B3 gene, results from a C to G substitution at nucleotide position 1350. The cysteine at codon 450 is replaced by tryptophan, an amino acid with highly dissimilar properties. This amino acid position is conserved. In addition, the in silico prediction for this alteration is inconclusive. Based on the available evidence, the clinical significance of this variant remains unclear.